The following is an entry in ClinVar:

NM_000089.4(COL1A2):c.2489G>A (p.Arg830Gln)

Gene: COL1A2 (collagen type I alpha 2 chain; plus strand). Cytogenetic location: 7q21.3.
Variant type: single nucleotide variant.
Coding change: c.2489G>A on transcript NM_000089.4 (MANE Select); coding-DNA position 2489, G replaced by A.
Protein change: p.Arg830Gln; replaces arginine 830 with glutamine.
Molecular consequence: missense variant.
Genome position (GRCh38, 1-based): chr7:94,423,042, G>A. VCF-style: chr7-94423042-G-A. GRCh37 (hg19) VCF-style: chr7-94052354-G-A.
Other names: short protein forms R830Q.
Identifiers: ClinVar variation 1352084 (VCV001352084.8), dbSNP rs768513176, ClinGen allele CA4347460.
Genomic context (GRCh38, chr7:94,423,042, plus strand): 5'-CTGGTCCTGCTGGGAAAGAAGGGCTTCGTGGTCCTCGTGGTGACCAAGGTCCAGTTGGCC[G>A]AACTGGAGAAGTAGGTGCAGTTGGTCCCCCTGGCTTCGCTGGTGAGAAGGGTCCCTCTGG-3'
Protein context (NP_000080.2, residues 820-840): GPRGDQGPVG[Arg830Gln]TGEVGAVGPP

ClinVar aggregate classification (germline): Uncertain significance (1 of 4 stars; one submission).

Conditions:
Osteogenesis imperfecta type I (OI1). Also called: OI, TYPE I; OSTEOGENESIS IMPERFECTA TARDA; OSTEOGENESIS IMPERFECTA WITH BLUE SCLERAE; Osteogenesis imperfecta type 1; Lobstein's Disease; Lobstein disease. Identifiers: Orphanet 216796, Orphanet 666, MedGen C0023931, MONDO:0008146, OMIM 166200. Disease mechanism: loss of function.
Ehlers-Danlos syndrome, classic type, 1 (EDSCL1). Also called: EHLERS-DANLOS SYNDROME, GRAVIS TYPE; EHLERS-DANLOS SYNDROME, SEVERE CLASSIC TYPE; Ehlers-Danlos syndrome, type 1; EDS I; Ehlers-Danlos Syndrome, Classic Type, COL5A1-Related. Identifiers: MedGen C0268335, MONDO:0019567, OMIM 130000.

Allele frequency attached by ClinVar (database versions not stated): gnomAD 0.00003; TOPMed 0.00002; ExAC 0.00003; gnomAD exomes 0.00001.
gnomAD v4.1: 16 of 1,613,948 alleles (0.00099%); highest among the groups gnomAD compares: African/African-American, 0.0067%; no homozygotes.

Submission:

Labcorp Genetics (formerly Invitae), Labcorp
Classification: Uncertain significance for Osteogenesis imperfecta type I; Ehlers-Danlos syndrome, classic type, 1. Last evaluated: 2023-06-15. Review status: criteria provided, single submitter. Criteria: Invitae Variant Classification Sherloc (09022015). Collection method: clinical testing. Allele origin: germline.
Comment: Advanced modeling of protein sequence and biophysical properties (such as structural, functional, and spatial information, amino acid conservation, physicochemical variation, residue mobility, and thermodynamic stability) performed at Invitae indicates that this missense variant is not expected to disrupt COL1A2 protein function. ClinVar contains an entry for this variant (Variation ID: 1352084). This variant has not been reported in the literature in individuals affected with COL1A2-related conditions. This variant is present in population databases (rs768513176, gnomAD 0.01%). This sequence change replaces arginine, which is basic and polar, with glutamine, which is neutral and polar, at codon 830 of the COL1A2 protein (p.Arg830Gln). In summary, the available evidence is currently insufficient to determine the role of this variant in disease. Therefore, it has been classified as a Variant of Uncertain Significance.